The following is an entry in ClinVar:

ClinVar aggregate classification (germline): Uncertain significance. Review status: criteria provided, multiple submitters, no conflicts (2 of 4 stars). 2 submissions from 2 submitters: Uncertain significance (2). Last evaluated 2025-05-27.

Conditions:
Inborn genetic diseases. Identifiers: MedGen C0950123, MeSH D030342.

Allele frequency attached by ClinVar (database versions not stated): gnomAD exomes 0.00001; ExAC 0.00002; gnomAD 0.00002; TOPMed 0.00002.

Submissions (2):

Labcorp Genetics (formerly Invitae), Labcorp
Classification: Uncertain significance. Last evaluated: 2025-05-27. Review status: criteria provided, single submitter. Criteria: Invitae Variant Classification Sherloc (09022015). Collection method: clinical testing. Allele origin: germline.
Comment: This sequence change replaces arginine, which is basic and polar, with tryptophan, which is neutral and slightly polar, at codon 1595 of the PTPN23 protein (p.Arg1595Trp). This variant is present in population databases (rs766217046, gnomAD 0.003%). This variant has not been reported in the literature in individuals affected with PTPN23-related conditions. ClinVar contains an entry for this variant (Variation ID: 1382326). Experimental studies and prediction algorithms are not available or were not evaluated, and the functional significance of this variant is currently unknown. In summary, the available evidence is currently insufficient to determine the role of this variant in disease. Therefore, it has been classified as a Variant of Uncertain Significance.

Ambry Genetics
Classification: Uncertain significance for Inborn genetic diseases. Last evaluated: 2024-11-27. Review status: criteria provided, single submitter. Criteria: Ambry Variant Classification Scheme 2023. Collection method: clinical testing. Allele origin: germline.

NM_015466.4(PTPN23):c.4783C>T (p.Arg1595Trp)

Gene: PTPN23 (protein tyrosine phosphatase non-receptor type 23; plus strand). Cytogenetic location: 3p21.31.
Variant type: single nucleotide variant.
Coding change: c.4783C>T on transcript NM_015466.4 (MANE Select); coding-DNA position 4783, C replaced by T.
Protein change: p.Arg1595Trp; replaces arginine 1595 with tryptophan.
Molecular consequence: missense variant.
Genome position (GRCh38, 1-based): chr3:47,413,057, C>T. VCF-style: chr3-47413057-C-T. GRCh37 (hg19) VCF-style: chr3-47454547-C-T.
Other names: c.4405C>T, p.Arg1469Trp (NM_001304482.2); c.4783C>T (NM_015466.2); short protein forms R1595W, R1469W.
Identifiers: ClinVar variation 1382326 (VCV001382326.7), dbSNP rs766217046, ClinGen allele CA2366703.